The following is an entry in ClinVar:

ClinVar aggregate classification (germline): Likely benign (0 of 4 stars; one submission).

Conditions:
BIRC6-related disorder. Also called: BIRC6-related condition.

Allele frequency attached by ClinVar (database versions not stated): TOPMed 0.00002; gnomAD 0.00009; ExAC 0.00029; 1000 Genomes Project 0.00040; 1000 Genomes Project 30x 0.00078.
gnomAD v4.1: 256 of 1,610,026 alleles (0.016%); highest among the groups gnomAD compares: South Asian, 0.28%; 2 homozygotes.

Submission:

PreventionGenetics, part of Exact Sciences
Classification: Likely benign for BIRC6-related condition. Last evaluated: 2019-05-21. Review status: no assertion criteria provided. Collection method: clinical testing. Allele origin: germline.
Comment: This variant is classified as likely benign based on ACMG/AMP sequence variant interpretation guidelines (Richards et al. 2015 PMID: 25741868, with internal and published modifications).

NM_016252.4(BIRC6):c.2844C>G (p.Gly948=)

Gene: BIRC6 (baculoviral IAP repeat containing 6; plus strand). Cytogenetic location: 2p22.3.
Variant type: single nucleotide variant.
Coding change: c.2844C>G on transcript NM_016252.4 (MANE Select); coding-DNA position 2844, C replaced by G.
Protein change: p.Gly948=; no amino-acid change (glycine 948 retained).
Molecular consequence: synonymous variant.
Genome position (GRCh38, 1-based): chr2:32,416,135, C>G. VCF-style: chr2-32416135-C-G. GRCh37 (hg19) VCF-style: chr2-32641203-C-G.
Other names: c.2760C>G, p.Gly920= (NM_001378125.1).
Identifiers: ClinVar variation 3039375 (VCV003039375.2), dbSNP rs562418075, ClinGen allele CA1602996.